The following is an entry in ClinVar:

ClinVar aggregate classification (germline): Benign/Likely benign. Review status: criteria provided, multiple submitters, no conflicts (2 of 4 stars). 5 submissions from 5 submitters: Benign (1); Likely benign (3). 1 of the submissions does not count toward it. Last evaluated 2026-02-04.

Conditions:
LAMC2-related disorder. Also called: LAMC2-related condition.
Junctional epidermolysis bullosa. Identifiers: Orphanet 305, MedGen C0079301, MONDO:0017612.

Allele frequency attached by ClinVar (database versions not stated): 1000 Genomes Project 30x 0.00031; 1000 Genomes Project 0.00040; TOPMed 0.00138; gnomAD exomes 0.00160 and 0.00288; gnomAD 0.00166 and 0.00170; ExAC 0.00170; ESP Exome Variant Server 0.00185.
gnomAD v4.1: 4,369 of 1,613,988 alleles (0.27%); highest among the groups gnomAD compares: Non-Finnish European, 0.33%; 14 homozygotes.

Submissions (5):

Labcorp Genetics (formerly Invitae), Labcorp
Classification: Benign. Last evaluated: 2026-02-04. Review status: criteria provided, single submitter. Criteria: Invitae Variant Classification Sherloc (09022015). Collection method: clinical testing. Allele origin: germline.

CeGaT Center for Human Genetics Tuebingen
Classification: Likely benign. Last evaluated: 2025-10-01. Review status: criteria provided, single submitter. Criteria: CeGaT Center For Human Genetics Tuebingen Variant Classification Criteria Version 2. Collection method: clinical testing. Allele origin: germline. Affected: yes. Observed: 1 variant allele.
Comment: LAMC2: BP4, BP7

Blueprint Genetics
Classification: Likely benign. Last evaluated: 2024-11-20. Review status: criteria provided, single submitter. Criteria: ACMG Guidelines, 2015. Collection method: clinical testing. Allele origin: germline.

Illumina Laboratory Services, Illumina
Classification: Likely benign for Junctional epidermolysis bullosa. Last evaluated: 2018-01-13. Review status: criteria provided, single submitter. Criteria: ICSL Variant Classification Criteria 13 December 2019. Collection method: clinical testing. Allele origin: germline.
Comment: This variant was observed in the ICSL laboratory as part of a predisposition screen in an ostensibly healthy population. It had not been previously curated by ICSL or reported in the Human Gene Mutation Database (HGMD: prior to June 1st, 2018), and was therefore a candidate for classification through an automated scoring system. Utilizing variant allele frequency, disease prevalence and penetrance estimates, and inheritance mode, an automated score was calculated to assess if this variant is too frequent to cause the disease. Based on the score and internal cut-off values, a variant classified as likely benign is not then subjected to further curation. The score for this variant resulted in a classification of likely benign for this disease.

PreventionGenetics, part of Exact Sciences
Classification: Likely benign for LAMC2-related condition. Last evaluated: 2024-06-19. Review status: no assertion criteria provided. Collection method: clinical testing. Allele origin: germline. Not counted in ClinVar's aggregate classification.
Comment: This variant is classified as likely benign based on ACMG/AMP sequence variant interpretation guidelines (Richards et al. 2015 PMID: 25741868, with internal and published modifications).

NM_005562.3(LAMC2):c.2736T>C (p.Asn912=)

Gene: LAMC2 (laminin subunit gamma 2; plus strand). Cytogenetic location: 1q25.3.
Variant type: single nucleotide variant.
Coding change: c.2736T>C on transcript NM_005562.3 (MANE Select); coding-DNA position 2736, T replaced by C.
Protein change: p.Asn912=; no amino-acid change (asparagine 912 retained).
Molecular consequence: synonymous variant.
Genome position (GRCh38, 1-based): chr1:183,237,486, T>C. VCF-style: chr1-183237486-T-C. GRCh37 (hg19) VCF-style: chr1-183206621-T-C.
Other names: c.2736T>C, p.Asn912= (NM_018891.3).
Identifiers: ClinVar variation 294012 (VCV000294012.23), dbSNP rs146196115, ClinGen allele CA1283034.
Genomic context (GRCh38, chr1:183,237,486, plus strand): 5'-CAAGCGTACACAGAAGAATCTGGGAAACTGGAAAGAAGAAGCACAGCAGCTCTTACAGAA[T>C]GGAAAAAGTGGGAGAGAGGTATTCTTTTGTTAATTCATTCACTCAATAAAGATGTATTGA-3'
Protein context (NP_005553.2, residues 902-922): WKEEAQQLLQ[Asn912=]GKSGREKSDQ